The following is an entry in ClinVar:

ClinVar aggregate classification (germline): Uncertain significance (1 of 4 stars; one submission).

Allele frequency attached by ClinVar (database versions not stated): gnomAD exomes 0.00001; ExAC 0.00002.
gnomAD v4.1: 9 of 1,613,958 alleles (0.00056%); highest among the groups gnomAD compares: South Asian, 0.0099%; no homozygotes.

Submission:

Labcorp Genetics (formerly Invitae), Labcorp
Classification: Uncertain significance. Last evaluated: 2022-06-28. Review status: criteria provided, single submitter. Criteria: Invitae Variant Classification Sherloc (09022015). Collection method: clinical testing. Allele origin: germline.
Comment: Algorithms developed to predict the effect of missense changes on protein structure and function output the following: SIFT: "Tolerated"; PolyPhen-2: "Benign"; Align-GVGD: "Class C0". The threonine amino acid residue is found in multiple mammalian species, which suggests that this missense change does not adversely affect protein function. In summary, the available evidence is currently insufficient to determine the role of this variant in disease. Therefore, it has been classified as a Variant of Uncertain Significance. This variant has not been reported in the literature in individuals affected with POGZ-related conditions. This variant is present in population databases (rs780714648, gnomAD 0.006%). This sequence change replaces alanine, which is neutral and non-polar, with threonine, which is neutral and polar, at codon 430 of the POGZ protein (p.Ala430Thr).

NM_015100.4(POGZ):c.1288G>A (p.Ala430Thr)

Gene: POGZ (pogo transposable element derived with ZNF domain; minus strand). Cytogenetic location: 1q21.3.
Variant type: single nucleotide variant.
Coding change: c.1288G>A on transcript NM_015100.4 (MANE Select); coding-DNA position 1288, G replaced by A.
Protein change: p.Ala430Thr; replaces alanine 430 with threonine.
Molecular consequence: missense variant.
Genome position (GRCh38, 1-based): chr1:151,424,184, C>T on the plus strand (G>A on the coding strand, the complement: POGZ is on the minus strand). VCF-style: chr1-151424184-C-T. GRCh37 (hg19) VCF-style: chr1-151396660-C-T.
Other names: c.1261G>A, p.Ala421Thr (NM_001194937.2); c.1102G>A, p.Ala368Thr (NM_001194938.2); c.1309G>A, p.Ala437Thr (NM_001410860.1); c.1003G>A, p.Ala335Thr (NM_145796.4); c.1129G>A, p.Ala377Thr (NM_207171.2); short protein forms A421T, A335T, A368T, A377T, A430T, A437T.
Identifiers: ClinVar variation 2164575 (VCV002164575.4), dbSNP rs780714648, ClinGen allele CA1091466.